The following is an entry in ClinVar:

ClinVar aggregate classification (germline): Conflicting classifications of pathogenicity. Review status: criteria provided, conflicting classifications (1 of 4 stars). 3 submissions from 3 submitters: Uncertain significance (2); Likely benign (1). Last evaluated 2025-12-30.

Conditions:
Dyskeratosis congenita. Identifiers: Orphanet 1775, MedGen C0265965, MONDO:0015780.
Dyskeratosis congenita, autosomal dominant 2. Identifiers: MedGen C3151443, MONDO:0013521, OMIM 613989.
Idiopathic Pulmonary Fibrosis. Also called: Idiopathic fibrosing alveolitis, chronic form; idiopathic fibrosing alveolitis. Identifiers: Orphanet 2032, MedGen C1800706, MeSH D054990, MONDO:0800504.

Allele frequency attached by ClinVar (database versions not stated): gnomAD 0.00001; gnomAD exomes 0.00002 and 0.00007; 1000 Genomes Project 30x 0.00016; ExAC 0.00019; 1000 Genomes Project 0.00020.
gnomAD v4.1: 28 of 1,584,178 alleles (0.0018%); highest among the groups gnomAD compares: South Asian, 0.018%; no homozygotes.

Submissions (3):

Labcorp Genetics (formerly Invitae), Labcorp
Classification: Likely benign for Dyskeratosis congenita, autosomal dominant 2; Idiopathic Pulmonary Fibrosis. Last evaluated: 2025-12-30. Review status: criteria provided, single submitter. Criteria: Invitae Variant Classification Sherloc (09022015). Collection method: clinical testing. Allele origin: germline.

Ambry Genetics
Classification: Uncertain significance for Dyskeratosis congenita. Last evaluated: 2022-01-30. Review status: criteria provided, single submitter. Criteria: Ambry Variant Classification Scheme 2023. Collection method: clinical testing. Allele origin: germline.
Comment: The p.P703L variant (also known as c.2108C>T), located in coding exon 5 of the TERT gene, results from a C to T substitution at nucleotide position 2108. The proline at codon 703 is replaced by leucine, an amino acid with similar properties. This amino acid position is conserved. In addition, the in silico prediction for this alteration is inconclusive. Since supporting evidence is limited at this time, the clinical significance of this alteration remains unclear.

Johns Hopkins Genomics, Johns Hopkins University
Classification: Uncertain significance for Dyskeratosis congenita, autosomal dominant 2. Last evaluated: 2020-03-05. Review status: criteria provided, single submitter. Criteria: ACMG Guidelines, 2015. Collection method: clinical testing. Allele origin: germline.
Comment: This TERT variant (rs564647937) is rare (<0.1%) in a large population dataset (gnomAD: 13/196362 total alleles; 0.007%; no homozygotes) and has not been reported in the literature, to our knowledge. A single submitter in ClinVar classifies c.2108C>T as a variant of uncertain clinical significance. Three bioinformatic tools queried predict that this substitution would be tolerated, and the proline residue at this position is not evolutionarily conserved across the species assessed. Due to insufficient evidence, we consider the clinical significance of c.2108C>T to be uncertain at this time.

NM_198253.3(TERT):c.2108C>T (p.Pro703Leu)

Gene: TERT (telomerase reverse transcriptase; minus strand). Cytogenetic location: 5p15.33.
Variant type: single nucleotide variant.
Coding change: c.2108C>T on transcript NM_198253.3 (MANE Select); coding-DNA position 2108, C replaced by T.
Protein change: p.Pro703Leu; replaces proline 703 with leucine.
Molecular consequence: missense variant. On other transcripts: non-coding transcript variant (2).
Genome position (GRCh38, 1-based): chr5:1,279,313, G>A on the plus strand (C>T on the coding strand, the complement: TERT is on the minus strand). VCF-style: chr5-1279313-G-A. GRCh37 (hg19) VCF-style: chr5-1279428-G-A.
Other names: c.2108C>T, p.Pro703Leu (NM_001193376.3); short protein forms P703L.
Identifiers: ClinVar variation 659963 (VCV000659963.12), dbSNP rs564647937, ClinGen allele CA3184670.
Genomic context (GRCh38, chr5:1,279,313, plus strand): 5'-GTCCAGCAGGGCTGCTCACGGGGGTCCCCGGCACCCACCTTGACAAAGTACAGCTCAGGC[G>A]GCGGGTCCTGGGCCCGCACACGCAGCACGAAGGTGCGCCAGGCCCTGTGGATATCGTCCA-3'
Protein context (NP_937983.2, residues 693-713): FVLRVRAQDP[Pro703Leu]PELYFVKVDV